The following is an entry in ClinVar:

NM_006231.4(POLE):c.6679G>T (p.Val2227Leu)

Gene: POLE (DNA polymerase epsilon, catalytic subunit; minus strand). Cytogenetic location: 12q24.33.
Variant type: single nucleotide variant.
Coding change: c.6679G>T on transcript NM_006231.4 (MANE Select); coding-DNA position 6679, G replaced by T.
Protein change: p.Val2227Leu; replaces valine 2227 with leucine.
Molecular consequence: missense variant.
Genome position (GRCh38, 1-based): chr12:132,624,973, C>A on the plus strand (G>T on the coding strand, the complement: POLE is on the minus strand). VCF-style: chr12-132624973-C-A. GRCh37 (hg19) VCF-style: chr12-133201559-C-A.
Other names: c.6679G>T (NM_006231.2); short protein forms V2227L.
Identifiers: ClinVar variation 405779 (VCV000405779.9), dbSNP rs1060500843, ClinGen allele CA16613699.

ClinVar aggregate classification (germline): Conflicting classifications of pathogenicity. Review status: criteria provided, conflicting classifications (1 of 4 stars). 2 submissions from 2 submitters: Uncertain significance (1); Likely benign (1). Last evaluated 2026-01-09.

Conditions:
Hereditary cancer-predisposing syndrome. Also called: Neoplastic Syndromes, Hereditary; Tumor predisposition; Hereditary neoplastic syndrome; Hereditary Cancer Syndrome. Identifiers: Orphanet 140162, MedGen C0027672, MeSH D009386, MONDO:0015356.

Submissions (2):

Ambry Genetics
Classification: Likely benign for Hereditary cancer-predisposing syndrome. Last evaluated: 2026-01-09. Review status: criteria provided, single submitter. Criteria: Ambry Variant Classification Scheme 2023. Collection method: clinical testing. Allele origin: germline.

Labcorp Genetics (formerly Invitae), Labcorp
Classification: Uncertain significance. Last evaluated: 2025-09-20. Review status: criteria provided, single submitter. Criteria: Invitae Variant Classification Sherloc (09022015). Collection method: clinical testing. Allele origin: germline.
Comment: This sequence change replaces valine, which is neutral and non-polar, with leucine, which is neutral and non-polar, at codon 2227 of the POLE protein (p.Val2227Leu). This variant is not present in population databases (gnomAD no frequency). This variant has not been reported in the literature in individuals affected with POLE-related conditions. ClinVar contains an entry for this variant (Variation ID: 405779). Invitae Evidence Modeling of protein sequence and biophysical properties (such as structural, functional, and spatial information, amino acid conservation, physicochemical variation, residue mobility, and thermodynamic stability) indicates that this missense variant is not expected to disrupt POLE protein function with a negative predictive value of 80%. In summary, the available evidence is currently insufficient to determine the role of this variant in disease. Therefore, it has been classified as a Variant of Uncertain Significance.